The following is an entry in ClinVar:

ClinVar aggregate classification (germline): Likely benign (1 of 4 stars; one submission).

Submission:

CeGaT Center for Human Genetics Tuebingen
Classification: Likely benign. Last evaluated: 2026-05-01. Review status: criteria provided, single submitter. Criteria: CeGaT Center For Human Genetics Tuebingen Variant Classification Criteria Version 2. Collection method: clinical testing. Allele origin: germline. Affected: yes. Observed: 1 variant allele.
Comment: ONECUT3: BP4, BP7

NM_001080488.2(ONECUT3):c.69G>A (p.Leu23=)

Gene: ONECUT3 (one cut homeobox 3; plus strand). Cytogenetic location: 19p13.3.
Variant type: single nucleotide variant.
Coding change: c.69G>A on transcript NM_001080488.2 (MANE Select); coding-DNA position 69, G replaced by A.
Protein change: p.Leu23=; no amino-acid change (leucine 23 retained).
Molecular consequence: synonymous variant.
Genome position (GRCh38, 1-based): chr19:1,753,731, G>A. VCF-style: chr19-1753731-G-A. GRCh37 (hg19) VCF-style: chr19-1753730-G-A.
Identifiers: ClinVar variation 4873554 (VCV004873554.2).